The following is an entry in ClinVar:

ClinVar aggregate classification (germline): Uncertain significance (1 of 4 stars; one submission).

Conditions:
Hereditary breast ovarian cancer syndrome. Also called: BRCA1- and BRCA2-Associated Hereditary Breast and Ovarian Cancer; Hereditary breast and/or ovarian cancer syndrome; Hereditary breast and ovarian cancer; Hereditary breast and ovarian cancer syndrome (HBOC); Breast and ovarian cancer; Hereditary breast and ovarian cancer syndrome. Identifiers: Orphanet 145, MedGen C0677776, MeSH D061325, MONDO:0003582. Disease mechanism: loss of function.

Submission:

Labcorp Genetics (formerly Invitae), Labcorp
Classification: Uncertain significance for Hereditary breast ovarian cancer syndrome. Last evaluated: 2024-04-16. Review status: criteria provided, single submitter. Criteria: Invitae Variant Classification Sherloc (09022015). Collection method: clinical testing. Allele origin: germline.
Comment: This sequence change replaces serine, which is neutral and polar, with isoleucine, which is neutral and non-polar, at codon 725 of the BRCA1 protein (p.Ser725Ile). This variant is not present in population databases (gnomAD no frequency). This variant has not been reported in the literature in individuals affected with BRCA1-related conditions. Advanced modeling of protein sequence and biophysical properties (such as structural, functional, and spatial information, amino acid conservation, physicochemical variation, residue mobility, and thermodynamic stability) performed at Invitae indicates that this missense variant is not expected to disrupt BRCA1 protein function with a negative predictive value of 95%. In summary, the available evidence is currently insufficient to determine the role of this variant in disease. Therefore, it has been classified as a Variant of Uncertain Significance.

NM_007294.4(BRCA1):c.2174G>T (p.Ser725Ile)

Gene: BRCA1 (BRCA1 DNA repair associated; minus strand). Cytogenetic location: 17q21.31.
Variant type: single nucleotide variant.
Coding change: c.2174G>T on transcript NM_007294.4 (MANE Select); coding-DNA position 2174, G replaced by T.
Protein change: p.Ser725Ile; replaces serine 725 with isoleucine.
Molecular consequence: missense variant. On other transcripts: intron variant (137).
Genome position (GRCh38, 1-based): chr17:43,093,357, C>A on the plus strand (G>T on the coding strand, the complement: BRCA1 is on the minus strand). VCF-style: chr17-43093357-C-A. GRCh37 (hg19) VCF-style: chr17-41245374-C-A.
Other names: c.661+1387G>T (NM_001408435.1, NM_001408445.1, NM_001408432.1 and 6 more transcripts); c.784+1387G>T (NM_001408401.1, NM_001408396.1, NM_001407985.1 and 13 more transcripts); c.548-2325G>T (NM_001408494.1); c.664+1387G>T (NM_001408444.1, NM_001408438.1, NM_001408430.1 and 12 more transcripts); c.671-2325G>T (NM_001408423.1, NM_001408420.1, NM_001408419.1 and 2 more transcripts); c.787+1387G>T (NM_001408404.1, NM_001408472.1, NM_001407990.1 and 17 more transcripts); c.788-1218G>T (NM_001407969.1, NM_001407968.1); c.577+1387G>T (NM_001408492.1, NM_001408513.1, NM_001408489.1 and 9 more transcripts); and 41 more; short protein forms S429I, S614I, S637I, S655I, S677I, S683I, S684I, S699I.
Identifiers: ClinVar variation 2736836 (VCV002736836.3), dbSNP rs1555590284, ClinGen allele CA10597654.